The following is an entry in ClinVar:

ClinVar aggregate classification (germline): Uncertain significance. Review status: criteria provided, single submitter (1 of 4 stars). 2 submissions from 2 submitters: Uncertain significance (1). 1 of the submissions does not count toward it. Last evaluated 2021-09-02.

Conditions:
Primary ciliary dyskinesia. Also called: Ciliary dyskinesia. Identifiers: Orphanet 244, MedGen C0008780, MONDO:0016575, HP:0012265.

Allele frequency attached by ClinVar (database versions not stated): gnomAD 0.00001; ExAC 0.00002; gnomAD exomes 0.00002; TOPMed 0.00004; ESP Exome Variant Server 0.00008.
gnomAD v4.1: 73 of 1,614,060 alleles (0.0045%); highest among the groups gnomAD compares: Non-Finnish European, 0.0055%; no homozygotes.

Submissions (2):

Labcorp Genetics (formerly Invitae), Labcorp
Classification: Uncertain significance for Primary ciliary dyskinesia. Last evaluated: 2021-09-02. Review status: criteria provided, single submitter. Criteria: Invitae Variant Classification Sherloc (09022015). Collection method: clinical testing. Allele origin: germline.
Comment: This sequence change replaces arginine with tryptophan at codon 362 of the DNAI1 protein (p.Arg362Trp). The arginine residue is weakly conserved and there is a moderate physicochemical difference between arginine and tryptophan. This variant is present in population databases (rs147893084, ExAC 0.01%). This variant has not been reported in the literature in individuals affected with DNAI1-related conditions. Algorithms developed to predict the effect of missense changes on protein structure and function are either unavailable or do not agree on the potential impact of this missense change (SIFT: "Deleterious"; PolyPhen-2: "Possibly Damaging"; Align-GVGD: "Class C0"). In summary, the available evidence is currently insufficient to determine the role of this variant in disease. Therefore, it has been classified as a Variant of Uncertain Significance.

Natera, Inc.
Classification: Uncertain significance for Primary ciliary dyskinesia. Last evaluated: 2020-02-13. Review status: no assertion criteria provided. Collection method: clinical testing. Allele origin: germline. Not counted in ClinVar's aggregate classification.

NM_012144.4(DNAI1):c.1084C>T (p.Arg362Trp)

Gene: DNAI1 (dynein axonemal intermediate chain 1; plus strand). Cytogenetic location: 9p13.3.
Variant type: single nucleotide variant.
Coding change: c.1084C>T on transcript NM_012144.4 (MANE Select); coding-DNA position 1084, C replaced by T.
Protein change: p.Arg362Trp; replaces arginine 362 with tryptophan.
Molecular consequence: missense variant.
Genome position (GRCh38, 1-based): chr9:34,506,647, C>T. VCF-style: chr9-34506647-C-T. GRCh37 (hg19) VCF-style: chr9-34506645-C-T.
Other names: c.1096C>T, p.Arg366Trp (NM_001281428.2); short protein forms R362W, R366W.
Identifiers: ClinVar variation 1045230 (VCV001045230.5), dbSNP rs147893084, ClinGen allele CA5034293.